The following is an entry in ClinVar:

16p11.2 recurrent region (BP4-BP5)

Genes: ALDOA (aldolase, fructose-bisphosphate A; plus strand), ASPHD1 (aspartate beta-hydroxylase domain containing 1; plus strand), C16orf54 (chromosome 16 open reading frame 54; minus strand), CDIPT (CDP-diacylglycerol--inositol 3-phosphatidyltransferase; minus strand), CDIPTOSP (CDIP transferase opposite strand, pseudogene; plus strand) and 99 more. Cytogenetic location: 16p11.2.
Variant type: Deletion.
Other names: ~550-kb deletion at 16p11.2.
Identifiers: ClinVar variation 41405 (VCV000041405.3).

ClinVar aggregate classification (germline): Pathogenic (0 of 4 stars; one submission).

Conditions:
Proximal 16p11.2 microdeletion syndrome. Also called: CHROMOSOME 16p11.2 DELETION SYNDROME, 593-KB; Chromosome 16p11.2 deletion syndrome; 16p11.2 Recurrent Deletion. Identifiers: Orphanet 261197, MedGen C3150154, MONDO:0012756, OMIM 611913.

Submission:

GeneReviews
Classification: Pathogenic for 16p11.2 Microdeletion. Last evaluated: 2011-02-08. Review status: no assertion criteria provided. Collection method: curation. Allele origin: unknown.
ClinVar note: Converted during submission from pathologic to Pathogenic.